The following is an entry in ClinVar:

ClinVar aggregate classification (germline): Uncertain significance. Review status: criteria provided, multiple submitters, no conflicts (2 of 4 stars). 3 submissions from 3 submitters: Uncertain significance (3). Last evaluated 2026-04-20.

Conditions:
Myofibrillar myopathy 5. Also called: Filaminopathy (type); FILAMINOPATHY, AUTOSOMAL DOMINANT. Identifiers: Orphanet 171445, MedGen C1836050, MONDO:0012289, OMIM 609524.
Distal myopathy with posterior leg and anterior hand involvement. Also called: WILLIAMS DISTAL MYOPATHY. Identifiers: Orphanet 63273, MedGen C3279722, MONDO:0013550, OMIM 614065.
Hypertrophic cardiomyopathy 26. Also called: Cardiomyopathy, familial hypertrophic, 26. Identifiers: Orphanet 75249, MedGen C4310749, MONDO:0014883, OMIM 617047.
Cardiovascular phenotype. Identifiers: MedGen CN230736.
FLNC-related disorder. Also called: FLNC-related condition; FLNC-related disorders.

Submissions (3):

PreventionGenetics, part of Exact Sciences
Classification: Uncertain significance for FLNC-related condition. Last evaluated: 2026-04-20. Review status: criteria provided, single submitter. Criteria: ACMG Guidelines, 2015. Collection method: clinical testing. Allele origin: germline.
Comment: The FLNC c.6568C>A variant is predicted to result in the amino acid substitution p.Arg2190Ser. To our knowledge, this variant has not been reported in the literature or in a large population database (gnomAD), indicating this variant is rare. At this time, the clinical significance of this variant is uncertain due to the absence of conclusive functional and genetic evidence.

Labcorp Genetics (formerly Invitae), Labcorp
Classification: Uncertain significance for Distal myopathy with posterior leg and anterior hand involvement; Myofibrillar myopathy 5; Hypertrophic cardiomyopathy 26. Last evaluated: 2025-03-16. Review status: criteria provided, single submitter. Criteria: Invitae Variant Classification Sherloc (09022015). Collection method: clinical testing. Allele origin: germline.
Comment: This sequence change replaces arginine, which is basic and polar, with serine, which is neutral and polar, at codon 2190 of the FLNC protein (p.Arg2190Ser). This variant is not present in population databases (gnomAD no frequency). This variant has not been reported in the literature in individuals affected with FLNC-related conditions. ClinVar contains an entry for this variant (Variation ID: 1398453). An algorithm developed to predict the effect of missense changes on protein structure and function (PolyPhen-2) suggests that this variant is likely to be tolerated. In summary, the available evidence is currently insufficient to determine the role of this variant in disease. Therefore, it has been classified as a Variant of Uncertain Significance.

Ambry Genetics
Classification: Uncertain significance for Cardiovascular phenotype. Last evaluated: 2023-12-26. Review status: criteria provided, single submitter. Criteria: Ambry Variant Classification Scheme 2023. Collection method: clinical testing. Allele origin: germline.
Comment: The p.R2190S variant (also known as c.6568C>A), located in coding exon 40 of the FLNC gene, results from a C to A substitution at nucleotide position 6568. The arginine at codon 2190 is replaced by serine, an amino acid with dissimilar properties. This amino acid position is highly conserved in available vertebrate species. In addition, the in silico prediction for this alteration is inconclusive. Since supporting evidence is limited at this time, the clinical significance of this alteration remains unclear.

NM_001458.5(FLNC):c.6568C>A (p.Arg2190Ser)

Genes: FLNC (filamin C; plus strand), FLNC-AS1 (FLNC antisense RNA 1; minus strand). Cytogenetic location: 7q32.1.
Variant type: single nucleotide variant.
Coding change: c.6568C>A on transcript NM_001458.5 (MANE Select); coding-DNA position 6568, C replaced by A.
Protein change: p.Arg2190Ser; replaces arginine 2190 with serine.
Molecular consequence: missense variant.
Genome position (GRCh38, 1-based): chr7:128,854,057, C>A. VCF-style: chr7-128854057-C-A. GRCh37 (hg19) VCF-style: chr7-128494111-C-A.
Other names: c.6469C>A, p.Arg2157Ser (NM_001127487.2); c.6568C>A (NM_001458.4); short protein forms R2157S, R2190S.
Identifiers: ClinVar variation 1398453 (VCV001398453.11), dbSNP rs1474675847, ClinGen allele CA369212839.